The following is an entry in ClinVar:

NM_001244008.2(KIF1A):c.798+2T>G

Gene: KIF1A (kinesin family member 1A; minus strand). Cytogenetic location: 2q37.3.
Variant type: single nucleotide variant.
Coding change: c.798+2T>G on transcript NM_001244008.2 (MANE Select); the canonical splice donor site of the intron after coding-DNA position 798, T replaced by G.
Molecular consequence: splice donor variant.
Genome position (GRCh38, 1-based): chr2:240,783,737, A>C on the plus strand (T>G on the coding strand, the complement: KIF1A is on the minus strand). VCF-style: chr2-240783737-A-C. GRCh37 (hg19) VCF-style: chr2-241723154-A-C.
Other names: c.798+2T>G (NM_001379653.1, NM_001379650.1, NM_001379645.1 and 20 more transcripts).
Identifiers: ClinVar variation 2950233 (VCV002950233.3), dbSNP rs2126054153, ClinGen allele CA351302812.

ClinVar aggregate classification (germline): Pathogenic (1 of 4 stars; one submission).

Conditions:
Neuropathy, hereditary sensory, type 2C. Also called: KIF1A-Related HSAN2 (HSAN2C); Hereditary sensory and autonomic neuropathy type IIC. Identifiers: Orphanet 970, MedGen C3280168, MONDO:0013634, OMIM 614213.
Hereditary spastic paraplegia 30. Identifiers: Orphanet 101010, MedGen C5235139, MONDO:0012476.
Intellectual disability, autosomal dominant 9 (NESCAVS). Also called: NESCAV SYNDROME; KIF1A-Related Neurodevelopmental Disorder. Identifiers: Orphanet 662367, MedGen C5393830, MONDO:0013656, OMIM 614255.

Submission:

Labcorp Genetics (formerly Invitae), Labcorp
Classification: Pathogenic for Hereditary spastic paraplegia 30; Neuropathy, hereditary sensory, type 2C; Intellectual disability, autosomal dominant 9. Last evaluated: 2023-07-25. Review status: criteria provided, single submitter. Criteria: Invitae Variant Classification Sherloc (09022015). Collection method: clinical testing. Allele origin: germline.
Comment: For these reasons, this variant has been classified as Pathogenic. Algorithms developed to predict the effect of sequence changes on RNA splicing suggest that this variant may disrupt the consensus splice site. Disruption of this splice site has been observed in individual(s) with autosomal dominant KIF1A-associated neurological disorder (PMID: 33880452). In at least one individual the variant was observed to be de novo. This variant is not present in population databases (gnomAD no frequency). This sequence change affects a donor splice site in intron 7 of the KIF1A gene. It is expected to disrupt RNA splicing. Variants that disrupt the donor or acceptor splice site typically lead to a loss of protein function (PMID: 16199547), and loss-of-function variants in KIF1A are known to be pathogenic (PMID: 21820098).

Literature cited by the submitters: PubMed 33880452; PubMed 16199547; PubMed 21820098.